The following is an entry in ClinVar:

NM_001134363.3(RBM20):c.3031G>A (p.Ala1011Thr)

Gene: RBM20 (RNA binding motif protein 20; plus strand). Cytogenetic location: 10q25.2.
Variant type: single nucleotide variant.
Coding change: c.3031G>A on transcript NM_001134363.3 (MANE Select); coding-DNA position 3031, G replaced by A.
Protein change: p.Ala1011Thr; replaces alanine 1011 with threonine.
Molecular consequence: missense variant.
Genome position (GRCh38, 1-based): chr10:110,821,650, G>A. VCF-style: chr10-110821650-G-A. GRCh37 (hg19) VCF-style: chr10-112581408-G-A.
Other names: short protein forms A1011T.
Identifiers: ClinVar variation 165047 (VCV000165047.6), dbSNP rs727503391, ClinGen allele CA177710.

ClinVar aggregate classification (germline): Uncertain significance. Review status: criteria provided, multiple submitters, no conflicts (2 of 4 stars). 2 submissions from 2 submitters: Uncertain significance (2). Last evaluated 2026-01-14.

Conditions:
Dilated cardiomyopathy 1DD (CMD1DD). Identifiers: Orphanet 154, MedGen C2750995, MONDO:0013168, OMIM 613172.

gnomAD v4.1: 18 of 1,551,814 alleles (0.0012%); highest among the groups gnomAD compares: Non-Finnish European, 0.0016%; no homozygotes.

Submissions (2):

Labcorp Genetics (formerly Invitae), Labcorp
Classification: Uncertain significance for Dilated cardiomyopathy 1DD. Last evaluated: 2026-01-14. Review status: criteria provided, single submitter. Criteria: Invitae Variant Classification Sherloc (09022015). Collection method: clinical testing. Allele origin: germline.
Comment: This sequence change replaces alanine, which is neutral and non-polar, with threonine, which is neutral and polar, at codon 1011 of the RBM20 protein (p.Ala1011Thr). This variant is not present in population databases (gnomAD no frequency). This variant has not been reported in the literature in individuals affected with RBM20-related conditions. ClinVar contains an entry for this variant (Variation ID: 165047). Invitae Evidence Modeling of protein sequence and biophysical properties (such as structural, functional, and spatial information, amino acid conservation, physicochemical variation, residue mobility, and thermodynamic stability) indicates that this missense variant is not expected to disrupt RBM20 protein function with a negative predictive value of 95%. In summary, the available evidence is currently insufficient to determine the role of this variant in disease. Therefore, it has been classified as a Variant of Uncertain Significance.

Laboratory for Molecular Medicine, Mass General Brigham Personalized Medicine
Classification: Uncertain significance. Last evaluated: 2013-09-27. Review status: criteria provided, single submitter. Criteria: LMM Criteria. Collection method: clinical testing. Allele origin: germline. Observed: 1 variant allele.
Comment: The Ala1011Thr variant in RBM20 has not been reported in the literature or in la rge population studies. Alanine (Ala) at position 1011 is not conserved in mamma ls or evolutionarily distant species, and in fact, tree shrew has a Threonine (T hr) at this codon. Computational analyses (biochemical amino acid properties, co nservation, AlignGVGD, PolyPhen2, and SIFT) do not provide strong support for or against an impact to the protein. Additional information is needed to fully ass ess the clinical significance of the Ala1011Thr variant.